The following is an entry in ClinVar:

NM_004991.4(MECOM):c.612C>A (p.His204Gln)

Gene: MECOM (MDS1 and EVI1 complex locus; minus strand). Cytogenetic location: 3q26.2.
Variant type: single nucleotide variant.
Coding change: c.612C>A on transcript NM_004991.4 (MANE Select); coding-DNA position 612, C replaced by A.
Protein change: p.His204Gln; replaces histidine 204 with glutamine.
Molecular consequence: missense variant.
Genome position (GRCh38, 1-based): chr3:169,131,430, G>T on the plus strand (C>A on the coding strand, the complement: MECOM is on the minus strand). VCF-style: chr3-169131430-G-T. GRCh37 (hg19) VCF-style: chr3-168849218-G-T.
Other names: c.240C>A, p.His80Gln (NM_001105077.4); c.48C>A, p.His16Gln (NM_001105078.4, NM_001163999.2, NM_001164000.2 and 9 more transcripts); c.612C>A, p.His204Gln (NM_001366466.2, NM_001366473.2); short protein forms H80Q, H16Q, H204Q.
Identifiers: ClinVar variation 4053236 (VCV004053236.1).

ClinVar aggregate classification (germline): Uncertain significance (1 of 4 stars; one submission).

Conditions:
Inborn genetic diseases. Identifiers: MedGen C0950123, MeSH D030342.

Submission:

Ambry Genetics
Classification: Uncertain significance for Inborn genetic diseases. Last evaluated: 2025-05-05. Review status: criteria provided, single submitter. Criteria: Ambry Variant Classification Scheme 2023. Collection method: clinical testing. Allele origin: germline.
Comment: The p.H204Q variant (also known as c.612C>A), located in coding exon 4 of the MECOM gene, results from a C to A substitution at nucleotide position 612. The histidine at codon 204 is replaced by glutamine, an amino acid with highly similar properties. This amino acid position is conserved. In addition, this alteration is predicted to be tolerated by in silico analysis. Based on the available evidence, the clinical significance of this variant remains unclear.